The following is an entry in ClinVar:

NM_006785.4(MALT1):c.1136A>C (p.Lys379Thr)

Gene: MALT1 (MALT1 paracaspase; plus strand). Cytogenetic location: 18q21.32.
Variant type: single nucleotide variant.
Coding change: c.1136A>C on transcript NM_006785.4 (MANE Select); coding-DNA position 1136, A replaced by C.
Protein change: p.Lys379Thr; replaces lysine 379 with threonine.
Molecular consequence: missense variant.
Genome position (GRCh38, 1-based): chr18:58,723,165, A>C. VCF-style: chr18-58723165-A-C. GRCh37 (hg19) VCF-style: chr18-56390397-A-C.
Other names: c.1103A>C, p.Lys368Thr (NM_173844.3); short protein forms K379T, K368T.
Identifiers: ClinVar variation 2108345 (VCV002108345.4), dbSNP rs2511537840, ClinGen allele CA402574233.

ClinVar aggregate classification (germline): Uncertain significance (1 of 4 stars; one submission).

Conditions:
Combined immunodeficiency due to MALT1 deficiency. Also called: Immunodeficiency 12. Identifiers: Orphanet 397964, MedGen C3809583, MONDO:0014197, OMIM 615468.

Submission:

Labcorp Genetics (formerly Invitae), Labcorp
Classification: Uncertain significance for Combined immunodeficiency due to MALT1 deficiency. Last evaluated: 2022-03-10. Review status: criteria provided, single submitter. Criteria: Invitae Variant Classification Sherloc (09022015). Collection method: clinical testing. Allele origin: germline.
Comment: Algorithms developed to predict the effect of missense changes on protein structure and function are either unavailable or do not agree on the potential impact of this missense change (SIFT: "Deleterious"; PolyPhen-2: "Probably Damaging"; Align-GVGD: "Class C0"). In summary, the available evidence is currently insufficient to determine the role of this variant in disease. Therefore, it has been classified as a Variant of Uncertain Significance. This variant has not been reported in the literature in individuals affected with MALT1-related conditions. This variant is not present in population databases (gnomAD no frequency). This sequence change replaces lysine, which is basic and polar, with threonine, which is neutral and polar, at codon 379 of the MALT1 protein (p.Lys379Thr).